The following is an entry in ClinVar:

NM_018489.3(ASH1L):c.1856G>C (p.Gly619Ala)

Gene: ASH1L (ASH1 like histone lysine methyltransferase; minus strand). Cytogenetic location: 1q22.
Variant type: single nucleotide variant.
Coding change: c.1856G>C on transcript NM_018489.3 (MANE Select); coding-DNA position 1856, G replaced by C.
Protein change: p.Gly619Ala; replaces glycine 619 with alanine.
Molecular consequence: missense variant.
Genome position (GRCh38, 1-based): chr1:155,481,014, C>G on the plus strand (G>C on the coding strand, the complement: ASH1L is on the minus strand). VCF-style: chr1-155481014-C-G. GRCh37 (hg19) VCF-style: chr1-155450805-C-G.
Other names: c.1856G>C, p.Gly619Ala (NM_001366177.2); short protein forms G619A.
Identifiers: ClinVar variation 5018335 (VCV005018335.1).

ClinVar aggregate classification (germline): Uncertain significance (1 of 4 stars; one submission).

Submission:

GeneDx
Classification: Uncertain significance. Last evaluated: 2026-04-08. Review status: criteria provided, single submitter. Criteria: GeneDx Variant Classification Process June 2021. Collection method: clinical testing. Allele origin: germline.
Comment: Not observed at significant frequency in large population cohorts (gnomAD); In silico analysis suggests that this missense variant does not alter protein structure/function; Has not been previously published as pathogenic or benign to our knowledge